The following is an entry in ClinVar:

NM_001036.6(RYR3):c.12886C>A (p.Pro4296Thr)

Gene: RYR3 (ryanodine receptor 3; plus strand). Cytogenetic location: 15q14.
Variant type: single nucleotide variant.
Coding change: c.12886C>A on transcript NM_001036.6 (MANE Select); coding-DNA position 12886, C replaced by A.
Protein change: p.Pro4296Thr; replaces proline 4296 with threonine.
Molecular consequence: missense variant.
Genome position (GRCh38, 1-based): chr15:33,838,866, C>A. VCF-style: chr15-33838866-C-A. GRCh37 (hg19) VCF-style: chr15-34131067-C-A.
Other names: c.12871C>A, p.Pro4291Thr (NM_001243996.4); short protein forms P4291T, P4296T.
Identifiers: ClinVar variation 1036688 (VCV001036688.8), dbSNP rs369559898, ClinGen allele CA7461488.

ClinVar aggregate classification (germline): Uncertain significance (1 of 4 stars; one submission).

Conditions:
Epileptic encephalopathy. Identifiers: MedGen C0543888, HP:0200134.

Allele frequency attached by ClinVar (database versions not stated): gnomAD exomes below 0.00001; ExAC 0.00001; TOPMed 0.00002; gnomAD 0.00003; ESP Exome Variant Server 0.00008.
gnomAD v4.1: 4 of 1,613,786 alleles (0.00025%); highest among the groups gnomAD compares: African/African-American, 0.0053%; no homozygotes.

Submission:

Labcorp Genetics (formerly Invitae), Labcorp
Classification: Uncertain significance for Epileptic encephalopathy. Last evaluated: 2020-08-20. Review status: criteria provided, single submitter. Criteria: Invitae Variant Classification Sherloc (09022015). Collection method: clinical testing. Allele origin: germline.
Comment: In summary, the available evidence is currently insufficient to determine the role of this variant in disease. Therefore, it has been classified as a Variant of Uncertain Significance. Algorithms developed to predict the effect of missense changes on protein structure and function (SIFT, PolyPhen-2, Align-GVGD) all suggest that this variant is likely to be tolerated, but these predictions have not been confirmed by published functional studies and their clinical significance is uncertain. This variant has not been reported in the literature in individuals with RYR3-related conditions. This variant is present in population databases (rs369559898, ExAC 0.01%). This sequence change replaces proline with threonine at codon 4296 of the RYR3 protein (p.Pro4296Thr). The proline residue is moderately conserved and there is a small physicochemical difference between proline and threonine.